The following is an entry in ClinVar:

ClinVar aggregate classification (germline): Pathogenic. Review status: criteria provided, multiple submitters, no conflicts (2 of 4 stars). 14 submissions from 14 submitters: Pathogenic (11). 3 of the submissions do not count toward it. Last evaluated 2026-01-12.

Conditions:
HYLS1-related disorders.
Hydrolethalus syndrome 1 (HLS1). Identifiers: Orphanet 2189, MedGen C1856016, MONDO:0009365, OMIM 236680.
Hydrolethalus syndrome. Identifiers: Orphanet 2189, MedGen C2931104, MONDO:0006037.

Allele frequency attached by ClinVar (database versions not stated): TOPMed 0.00013; 1000 Genomes Project 30x 0.00047; gnomAD exomes 0.00059 and 0.00110; 1000 Genomes Project 0.00060; gnomAD 0.00096 and 0.00103; ExAC 0.00110.
gnomAD v4.1: 1,003 of 1,614,240 alleles (0.062%); highest among the groups gnomAD compares: Non-Finnish European, 0.032%; no homozygotes.

Submissions (14):

Labcorp Genetics (formerly Invitae), Labcorp
Classification: Pathogenic. Last evaluated: 2026-01-12. Review status: criteria provided, single submitter. Criteria: Invitae Variant Classification Sherloc (09022015). Collection method: clinical testing. Allele origin: germline.
Comment: This sequence change replaces aspartic acid, which is acidic and polar, with glycine, which is neutral and non-polar, at codon 211 of the HYLS1 protein (p.Asp211Gly). This variant is present in population databases (rs104894232, gnomAD 1.0%), and has an allele count higher than expected for a pathogenic variant. This missense change has been observed in individuals with hydrolethalus syndrome (PMID: 15843405, 18648327). It is commonly reported in individuals of Finnish ancestry (PMID: 15843405, 18648327). ClinVar contains an entry for this variant (Variation ID: 1143). An algorithm developed to predict the effect of missense changes on protein structure and function (PolyPhen-2) suggests that this variant is likely to be disruptive. Experimental studies have shown that this missense change affects HYLS1 function (PMID: 15843405). For these reasons, this variant has been classified as Pathogenic.

Institute of Medical Genetics and Applied Genomics, University Hospital Tübingen
Classification: Pathogenic for Hydrolethalus syndrome 1. Last evaluated: 2025-08-04. Review status: criteria provided, single submitter. Criteria: ACMG Guidelines, 2015. Collection method: clinical testing. Allele origin: germline. Inheritance: Autosomal recessive inheritance. Affected: yes.

Dasa
Classification: Pathogenic. Last evaluated: 2025-07-10. Review status: criteria provided, single submitter. Criteria: DASA Assertion Criteria. Collection method: clinical testing. Allele origin: germline.
Comment: NM_001134793.2(HYLS1):c.632A>G (p.Asp211Gly) is a missense variant that results in the substitution of aspartic acid with glycine. This variant has been observed in affected individuals with related phenotype in a genotype context consistent with recessive disease (PMID: 15843405; PMID: 18648327). Functional evidence supports a deleterious effect on the gene or gene product (PMID: 15843405; PMID: 18648327). This variant has been recurrently observed in individuals with related phenotype (PMID: 15843405; PMID: 18648327). Segregation evidence has been reported in affected families. Multiple computational predictions support a deleterious effect on the gene or gene product. The variant is present at low frequency in population datasets. Based on the available data, this variant is classified as pathogenic.

Natera, Inc.
Classification: Pathogenic for Hydrolethalus syndrome. Last evaluated: 2025-07-02. Review status: criteria provided, single submitter. Criteria: Natera Variant Classification Schema (03/2026). Collection method: clinical testing. Allele origin: germline.
Comment: The c.632A>G variant in HYLS1 is a missense variant predicted to cause substitution of aspartic acid to glycine at amino acid 211. This variant is rare in the general population with a frequency below the threshold expected for the associated phenotype(s). Computational prediction algorithms indicate this variant is likely to affect gene or protein function. Given the available evidence, this variant is classified as Pathogenic.

Laboratory of Genetics, Children's Clinical University Hospital Latvia
Classification: Pathogenic. Last evaluated: 2025-02-16. Review status: criteria provided, single submitter. Criteria: ACMG Guidelines, 2015. Collection method: clinical testing. Allele origin: germline. Affected: yes.

Blueprint Genetics
Classification: Pathogenic for HYLS1-related disorders. Last evaluated: 2024-11-21. Review status: criteria provided, single submitter. Criteria: ACMG Guidelines, 2015. Collection method: clinical testing. Allele origin: germline. Affected: yes. Observed: 5 variant alleles.

GeneDx
Classification: Pathogenic. Last evaluated: 2023-04-11. Review status: criteria provided, single submitter. Criteria: GeneDx Variant Classification Process June 2021. Collection method: clinical testing. Allele origin: germline. Affected: yes.
Comment: Published functional studies demonstrate a damaging effect on activation of Hedgehog signaling (Chen et al., 2021); This variant is associated with the following publications: (PMID: 32371413, 34212369, 31589614, 19656802, 35611473, 15843405, 2074561, Morgan[Computational]2017, 34831381, 18648327, 19400947, 34162535)

Fulgent Genetics
Classification: Pathogenic for Hydrolethalus syndrome 1. Last evaluated: 2021-12-15. Review status: criteria provided, single submitter. Criteria: ACMG Guidelines, 2015. Collection method: clinical testing. Allele origin: unknown.

Myriad Genetics, Inc.
Classification: Pathogenic for Hydrolethalus syndrome 1. Last evaluated: 2019-12-27. Review status: criteria provided, single submitter. Criteria: Myriad Women's Health Autosomal Recessive and X-Linked Classification Criteria (2019). Collection method: clinical testing. Allele origin: unknown.
Comment: NM_001134793.1(HYLS1):c.632A>G(D211G) is classified as pathogenic in the context of hydrolethalus syndrome. Sources cited for classification include the following: PMID 15843405, 18648327, 19400947 and 19656802. Classification of NM_001134793.1(HYLS1):c.632A>G(D211G) is based on the following criteria: This is a well-established pathogenic variant in the literature that has been observed more frequently in patients with clinical diagnoses than in healthy populations. Please note: this variant was assessed in the context of healthy population screening.

Institute for Genomic Medicine (IGM) Clinical Laboratory, Nationwide Children's Hospital
Classification: Pathogenic for Hydrolethalus syndrome 1. Last evaluated: 2018-05-25. Review status: criteria provided, single submitter. Criteria: ACMG Guidelines, 2015. Collection method: clinical testing. Allele origin: germline. Affected: yes.
Comment: [ACMG/AMP: PS3, PM1, PS4_Moderate, PP1, PP3, PP5] This alteration is supported by well-established in vitro or in vivo functional studies to have a damaging effect on protein function or splicing [PS3], is located in a mutational hotspot and/or critical and well-established functional domain [PM1], has previously been observed in multiple unrelated patients with the same phenotype [PS4_Moderate], has been shown to cosegregate with disease in multiple affected family members [PP1], is predicted to be damaging by multiple functional prediction tools [PP3], was reported as a pathogenic/likely pathogenic alteration by a reputable source (ClinVar or other correspondence from a clinical testing laboratory) [PP5].

Knight Diagnostic Laboratories, Oregon Health and Sciences University
Classification: Pathogenic for Hydrolethalus syndrome 1. Last evaluated: 2016-01-27. Review status: criteria provided, single submitter. Criteria: ACMG Guidelines, 2015. Collection method: clinical testing. Allele origin: germline. Affected: no. Study: CSER-NextGen.
Comment: The c.632A>G (p.Asp211Gly) missense variant in the HYLS1 gene has been previously reported in 24 affected individuals with autosomal recessive Hydrolethalus syndrome from 16 families in Finland; this variant was shown to co-segregate with disease in these families (Mee et al., 2005). The residue encoded by this variant is positioned at a protease cleavage site, which is lost upon substitution to glycine (Paetau et al., 2008). Functional studies show this variant affects the subcellular localization, sequestering the protein primarily to the nucleus as opposed to the cytoplasm (Mee et al., 2005). This c.632A>G has been reported at low frequency in the three control population databases (Exome Sequencing Project [ESP] , 1000 Genomes, and ExAC). Multiple lines of computational evidence suggest a deleterious effect. Therefore, this collective evidence supports the classification of the c.632A>G (p.Asp211Gly) as a recessive Pathogenic variant for Hydrolethalus syndrome.

Reproductive Health Research and Development, BGI Genomics
Classification: Pathogenic for Hydrolethalus syndrome. Last evaluated: 2020-01-06. Review status: no assertion criteria provided. Collection method: curation. Allele origin: germline. Not counted in ClinVar's aggregate classification.
Comment: NM_145014.2:c.632A>G in the HYLS1 gene has an allele frequency of 0.01 in European (Finnish) subpopulation in the gnomAD database. The p.Asp211Gly (NM_145014.2:c.632A>G) variant has been observed in individuals with hydrolethalus syndrome and it has been reported to be a founder mutation in the Finnish population (PMID: 15843405; 18648327). Experimental studies have shown that this missense change causes mislocalization of the HYLS1 protein to the nucleus (PMID: 15843405). Taken together, we interprete this variant as Pathogenic/Likely pathogenic. ACMG/AMP Criteria applied: PS4; PS3.

OMIM
Classification: Pathogenic for HYDROLETHALUS SYNDROME 1. Last evaluated: 2005-06-01. Review status: no assertion criteria provided. Collection method: literature only. Allele origin: germline. Not counted in ClinVar's aggregate classification.

Department of Pathology and Laboratory Medicine, Sinai Health System
Classification: Pathogenic. Review status: no assertion criteria provided. Collection method: clinical testing. Allele origin: unknown. Affected: yes. Study: The Canadian Open Genetics Repository (COGR). Not counted in ClinVar's aggregate classification.
Comment: The HYLS1 p.D211G variant is reported to be a Finnish founder mutation and has been reported as a homozygous variant in 41 Finnish cases of hydrolethalus syndrome (HLS) (Mee_2005_PMID:15843405; Paetau_2008_PMID:18648327). The variant was identified in dbSNP (ID: rs104894232) and ClinVar (classified as pathogenic by Invitae, Knight Diagnostic Laboratories, Illumina and BGI Genomics). The variant was identified in control databases in 335 of 282870 chromosomes at a frequency of 0.001184 (Genome Aggregation Database March 6, 2019, v2.1.1). The variant was observed in the following populations: European (Finnish) in 241 of 25120 chromosomes (freq: 0.009594), Other in 12 of 7228 chromosomes (freq: 0.00166), European (non-Finnish) in 79 of 129190 chromosomes (freq: 0.000612), Ashkenazi Jewish in 1 of 10368 chromosomes (freq: 0.000096) and African in 2 of 24964 chromosomes (freq: 0.00008), but was not observed in the Latino, East Asian, or South Asian populations. The p.D211 residue is conserved in mammals and computational analyses (PolyPhen-2, SIFT, AlignGVGD, BLOSUM, MutationTaster) provide inconsistent predictions regarding the impact to the protein; this information is not very predictive of pathogenicity. The variant occurs outside of the splicing consensus sequence and three of four in silico or computational prediction software programs (SpliceSiteFinder, MaxEntScan, NNSPLICE, GeneSplicer) do not predict a difference in splicing. However, functional analysis has demonstrated that the p.D211G variant causes mislocalization of the HYLS1 protein to the nucleaus instead of the cytoplasm (Mee_2005_PMID:15843405). In summary, based on the above information this variant meets our laboratoryâ€šÃ„Ã´s criteria to be classified as pathogenic.

Literature cited by the submitters: PubMed 15843405 (cited by 4 submitters); PubMed 18648327 (cited by 3 submitters); PubMed 19400947 (cited by Myriad Genetics, Inc.); PubMed 19656802 (cited by Myriad Genetics, Inc.).

NM_031307.4(PUS3):c.-47+3170T>C

Genes: DDX25 (DEAD-box helicase 25; plus strand), HYLS1 (HYLS1 centriolar and ciliogenesis associated; plus strand), PUS3 (pseudouridine synthase 3; minus strand). Cytogenetic location: 11q24.2.
Variant type: single nucleotide variant.
Coding change: c.-47+3170T>C on transcript NM_031307.4 (MANE Select); 3170 bases into the intron after 47 bases upstream of the start codon, T replaced by C.
Molecular consequence: intron variant. On other transcripts: missense variant (5).
Genome position (GRCh38, 1-based): chr11:125,900,000, A>G on the plus strand (T>C on the coding strand, the complement: PUS3 is on the minus strand). VCF-style: chr11-125900000-A-G. GRCh37 (hg19) VCF-style: chr11-125769895-A-G.
Other names: c.632A>G, p.Asp211Gly (NM_001134793.2, NM_001377269.1, NM_001377270.1 and 2 more transcripts); c.-247+3170T>C (NM_001271985.2); short protein forms D211G.
Identifiers: ClinVar variation 1143 (VCV000001143.29), dbSNP rs104894232, ClinGen allele CA114795.
Genomic context (GRCh38, chr11:125,900,000, plus strand): 5'-GACCCAAGTCCTTTATTCTCCCAAAGCTGGACCAGTTAAGCCGAAACCGGGGCAAGACAG[A>G]CCGGGTAGCCCGGTATTTTGAGTACAAACGGGACTGGGACTCAATACGTTTACCTGGTGA-3'